The following is an entry in ClinVar:

ClinVar aggregate classification (germline): Uncertain significance (1 of 4 stars; one submission).

Submission:

GeneDx
Classification: Uncertain significance. Last evaluated: 2019-10-28. Review status: criteria provided, single submitter. Criteria: GeneDx Variant Classification Process June 2021. Collection method: clinical testing. Allele origin: germline. Affected: yes.
Comment: Not observed in large population cohorts (Lek et al., 2016); In silico analysis, which includes protein predictors and evolutionary conservation, supports a deleterious effect; Has not been previously published as pathogenic or benign to our knowledge

NM_004586.3(RPS6KA3):c.512A>C (p.Lys171Thr)

Gene: RPS6KA3 (ribosomal protein S6 kinase A3; minus strand). Cytogenetic location: Xp22.12.
Variant type: single nucleotide variant.
Coding change: c.512A>C on transcript NM_004586.3 (MANE Select); coding-DNA position 512, A replaced by C.
Protein change: p.Lys171Thr; replaces lysine 171 with threonine.
Molecular consequence: missense variant.
Genome position (GRCh38, 1-based): chrX:20,193,568, T>G on the plus strand (A>C on the coding strand, the complement: RPS6KA3 is on the minus strand). VCF-style: chrX-20193568-T-G. GRCh37 (hg19) VCF-style: chrX-20211686-T-G.
Other names: short protein forms K171T.
Identifiers: ClinVar variation 1309567 (VCV001309567.2), dbSNP rs2148700476, ClinGen allele CA412509986.